The following is an entry in ClinVar:

ClinVar aggregate classification (germline): Uncertain significance. Review status: criteria provided, multiple submitters, no conflicts (2 of 4 stars). 3 submissions from 3 submitters: Uncertain significance (3). Last evaluated 2025-12-02.

Conditions:
Fraser syndrome 1 (FRASRS1). Also called: CRYPTOPHTHALMOS WITH OTHER MALFORMATIONS. Identifiers: Orphanet 2052, MedGen C4551480, MONDO:0054737, OMIM 219000.
Inborn genetic diseases. Identifiers: MedGen C0950123, MeSH D030342.

Allele frequency attached by ClinVar (database versions not stated): ExAC 0.00001; gnomAD 0.00003; gnomAD exomes 0.00006; TOPMed 0.00006.
gnomAD v4.1: 90 of 1,613,522 alleles (0.0056%); highest among the groups gnomAD compares: Non-Finnish European, 0.0073%; no homozygotes.

Submissions (3):

Ambry Genetics
Classification: Uncertain significance for Inborn genetic diseases. Last evaluated: 2025-12-02. Review status: criteria provided, single submitter. Criteria: Ambry Variant Classification Scheme 2023. Collection method: clinical testing. Allele origin: germline.

Fulgent Genetics
Classification: Uncertain significance for Fraser syndrome 1. Last evaluated: 2024-01-29. Review status: criteria provided, single submitter. Criteria: ACMG Guidelines, 2015. Collection method: clinical testing. Allele origin: germline.

Labcorp Genetics (formerly Invitae), Labcorp
Classification: Uncertain significance. Last evaluated: 2022-07-08. Review status: criteria provided, single submitter. Criteria: Invitae Variant Classification Sherloc (09022015). Collection method: clinical testing. Allele origin: germline.
Comment: This sequence change replaces histidine, which is basic and polar, with tyrosine, which is neutral and polar, at codon 3017 of the FRAS1 protein (p.His3017Tyr). This variant is present in population databases (rs757433449, gnomAD 0.005%). This variant has not been reported in the literature in individuals affected with FRAS1-related conditions. Algorithms developed to predict the effect of missense changes on protein structure and function (SIFT, PolyPhen-2, Align-GVGD) all suggest that this variant is likely to be disruptive. In summary, the available evidence is currently insufficient to determine the role of this variant in disease. Therefore, it has been classified as a Variant of Uncertain Significance.

NM_025074.7(FRAS1):c.9049C>T (p.His3017Tyr)

Gene: FRAS1 (Fraser extracellular matrix complex subunit 1; plus strand). Cytogenetic location: 4q21.21.
Variant type: single nucleotide variant.
Coding change: c.9049C>T on transcript NM_025074.7 (MANE Select); coding-DNA position 9049, C replaced by T.
Protein change: p.His3017Tyr; replaces histidine 3017 with tyrosine.
Molecular consequence: missense variant.
Genome position (GRCh38, 1-based): chr4:78,496,895, C>T. VCF-style: chr4-78496895-C-T. GRCh37 (hg19) VCF-style: chr4-79418049-C-T.
Other names: c.9049C>T (NM_025074.6); short protein forms H3017Y.
Identifiers: ClinVar variation 2175122 (VCV002175122.5), dbSNP rs757433449, ClinGen allele CA2978559.